The following is an entry in ClinVar:

NM_004104.5(FASN):c.2626G>A (p.Val876Met)

Gene: FASN (fatty acid synthase; minus strand). Cytogenetic location: 17q25.3.
Variant type: single nucleotide variant.
Coding change: c.2626G>A on transcript NM_004104.5 (MANE Select); coding-DNA position 2626, G replaced by A.
Protein change: p.Val876Met; replaces valine 876 with methionine.
Molecular consequence: missense variant.
Genome position (GRCh38, 1-based): chr17:82,088,275, C>T on the plus strand (G>A on the coding strand, the complement: FASN is on the minus strand). VCF-style: chr17-82088275-C-T. GRCh37 (hg19) VCF-style: chr17-80046151-C-T.
Other names: short protein forms V876M.
Identifiers: ClinVar variation 2992495 (VCV002992495.3), dbSNP rs2509838477, ClinGen allele CA401556088.

ClinVar aggregate classification (germline): Uncertain significance (1 of 4 stars; one submission).

Conditions:
Epileptic encephalopathy. Identifiers: MedGen C0543888, HP:0200134.

Submission:

Labcorp Genetics (formerly Invitae), Labcorp
Classification: Uncertain significance for Epileptic encephalopathy. Last evaluated: 2024-01-06. Review status: criteria provided, single submitter. Criteria: Invitae Variant Classification Sherloc (09022015). Collection method: clinical testing. Allele origin: germline.
Comment: This sequence change replaces valine, which is neutral and non-polar, with methionine, which is neutral and non-polar, at codon 876 of the FASN protein (p.Val876Met). This variant is not present in population databases (gnomAD no frequency). This variant has not been reported in the literature in individuals affected with FASN-related conditions. An algorithm developed to predict the effect of missense changes on protein structure and function (PolyPhen-2) suggests that this variant is likely to be tolerated. In summary, the available evidence is currently insufficient to determine the role of this variant in disease. Therefore, it has been classified as a Variant of Uncertain Significance.